The following is an entry in ClinVar:

NM_015335.5(MED13L):c.2920C>T (p.Pro974Ser)

Gene: MED13L (mediator complex subunit 13L; minus strand). Cytogenetic location: 12q24.21.
Variant type: single nucleotide variant.
Coding change: c.2920C>T on transcript NM_015335.5 (MANE Select); coding-DNA position 2920, C replaced by T.
Protein change: p.Pro974Ser; replaces proline 974 with serine.
Molecular consequence: missense variant.
Genome position (GRCh38, 1-based): chr12:115,996,552, G>A on the plus strand (C>T on the coding strand, the complement: MED13L is on the minus strand). VCF-style: chr12-115996552-G-A. GRCh37 (hg19) VCF-style: chr12-116434357-G-A.
Other names: short protein forms P974S.
Identifiers: ClinVar variation 1314090 (VCV001314090.2), dbSNP rs2137328362, ClinGen allele CA386889678.

ClinVar aggregate classification (germline): Uncertain significance (1 of 4 stars; one submission).

Allele frequency attached by ClinVar (database versions not stated): gnomAD exomes below 0.00001.
gnomAD v4.1: 1 of 1,614,206 alleles (0.000062%); highest among the groups gnomAD compares: East Asian, 0.0022%; no homozygotes.

Submission:

GeneDx
Classification: Uncertain significance. Last evaluated: 2021-09-13. Review status: criteria provided, single submitter. Criteria: GeneDx Variant Classification Process June 2021. Collection method: clinical testing. Allele origin: germline. Affected: yes.
Comment: Not observed in large population cohorts (Lek et al., 2016); In silico analysis supports that this missense variant has a deleterious effect on protein structure/function; Has not been previously published as pathogenic or benign to our knowledge